The following is an entry in ClinVar:

NM_006796.3(AFG3L2):c.1293C>T (p.Leu431=)

Gene: AFG3L2 (AFG3 like matrix AAA peptidase subunit 2; minus strand). Cytogenetic location: 18p11.21.
Variant type: single nucleotide variant.
Coding change: c.1293C>T on transcript NM_006796.3 (MANE Select); coding-DNA position 1293, C replaced by T.
Protein change: p.Leu431=; no amino-acid change (leucine 431 retained).
Molecular consequence: synonymous variant.
Genome position (GRCh38, 1-based): chr18:12,353,030, G>A on the plus strand (C>T on the coding strand, the complement: AFG3L2 is on the minus strand). VCF-style: chr18-12353030-G-A. GRCh37 (hg19) VCF-style: chr18-12353029-G-A.
Identifiers: ClinVar variation 4682367 (VCV004682367.1).

ClinVar aggregate classification (germline): Uncertain significance (1 of 4 stars; one submission).

gnomAD v4.1: 1 of 1,613,606 alleles (0.000062%); no homozygotes.

Submission:

Athena Diagnostics
Classification: Uncertain significance. Last evaluated: 2024-12-27. Review status: criteria provided, single submitter. Criteria: Athena Diagnostics Criteria. Collection method: clinical testing. Allele origin: unknown.
Comment: Available data are insufficient to determine the clinical significance of the variant at this time. This variant has not been reported in large, multi-ethnic general populations. Computational tools yielded predictions that this variant is unlikely to have an effect on normal RNA splicing.